The following is an entry in ClinVar:

NM_015072.5(TTLL5):c.3098T>G (p.Leu1033Arg)

Gene: TTLL5 (tubulin tyrosine ligase like 5; plus strand). Cytogenetic location: 14q24.3.
Variant type: single nucleotide variant.
Coding change: c.3098T>G on transcript NM_015072.5 (MANE Select); coding-DNA position 3098, T replaced by G.
Protein change: p.Leu1033Arg; replaces leucine 1033 with arginine.
Molecular consequence: missense variant.
Genome position (GRCh38, 1-based): chr14:75,793,027, T>G. VCF-style: chr14-75793027-T-G. GRCh37 (hg19) VCF-style: chr14-76259370-T-G.
Other names: short protein forms L1033R.
Identifiers: ClinVar variation 1019721 (VCV001019721.6), dbSNP rs1489208821, ClinGen allele CA390473400.

ClinVar aggregate classification (germline): Uncertain significance (1 of 4 stars; one submission).

Allele frequency attached by ClinVar (database versions not stated): gnomAD 0.00001; gnomAD exomes 0.00001; TOPMed 0.00002.
gnomAD v4.1: 24 of 1,613,746 alleles (0.0015%); highest among the groups gnomAD compares: Non-Finnish European, 0.0019%; no homozygotes.

Submission:

Labcorp Genetics (formerly Invitae), Labcorp
Classification: Uncertain significance. Last evaluated: 2022-06-20. Review status: criteria provided, single submitter. Criteria: Invitae Variant Classification Sherloc (09022015). Collection method: clinical testing. Allele origin: germline.
Comment: This sequence change replaces leucine, which is neutral and non-polar, with arginine, which is basic and polar, at codon 1033 of the TTLL5 protein (p.Leu1033Arg). This variant is present in population databases (no rsID available, gnomAD 0.007%). This variant has not been reported in the literature in individuals affected with TTLL5-related conditions. ClinVar contains an entry for this variant (Variation ID: 1019721). Algorithms developed to predict the effect of missense changes on protein structure and function are either unavailable or do not agree on the potential impact of this missense change (SIFT: "Deleterious"; PolyPhen-2: "Probably Damaging"; Align-GVGD: "Class C0"). Algorithms developed to predict the effect of sequence changes on RNA splicing suggest that this variant may create or strengthen a splice site. In summary, the available evidence is currently insufficient to determine the role of this variant in disease. Therefore, it has been classified as a Variant of Uncertain Significance.